The following is an entry in ClinVar:

NM_006516.4(SLC2A1):c.*3C>T

Gene: SLC2A1 (solute carrier family 2 member 1; minus strand). Cytogenetic location: 1p34.2.
Variant type: single nucleotide variant.
Coding change: c.*3C>T on transcript NM_006516.4 (MANE Select); 3 bases downstream of the stop codon, C replaced by T.
Molecular consequence: 3 prime UTR variant.
Genome position (GRCh38, 1-based): chr1:42,927,038, G>A on the plus strand (C>T on the coding strand, the complement: SLC2A1 is on the minus strand). VCF-style: chr1-42927038-G-A. GRCh37 (hg19) VCF-style: chr1-43392709-G-A.
Identifiers: ClinVar variation 378614 (VCV000378614.1), dbSNP rs369282116, ClinGen allele CA803274.

ClinVar aggregate classification (germline): Likely benign (1 of 4 stars; one submission).

Allele frequency attached by ClinVar (database versions not stated): ExAC 0.00001; gnomAD 0.00001; gnomAD exomes 0.00001 and 0.00002; TOPMed 0.00002; ESP Exome Variant Server 0.00008.
gnomAD v4.1: 11 of 1,613,016 alleles (0.00068%); highest among the groups gnomAD compares: South Asian, 0.0011%; no homozygotes.

Submission:

GeneDx
Classification: Likely benign. Last evaluated: 2016-12-30. Review status: criteria provided, single submitter. Criteria: GeneDx Variant Classification (06012015). Collection method: clinical testing. Allele origin: germline. Affected: yes.
Comment: This variant is considered likely benign or benign based on one or more of the following criteria: it is a conservative change, it occurs at a poorly conserved position in the protein, it is predicted to be benign by multiple in silico algorithms, and/or has population frequency not consistent with disease.